The following is an entry in ClinVar:

NM_006612.6(KIF1C):c.3088C>T (p.Arg1030Cys)

Gene: KIF1C (kinesin family member 1C; plus strand). Cytogenetic location: 17p13.2.
Variant type: single nucleotide variant.
Coding change: c.3088C>T on transcript NM_006612.6 (MANE Select); coding-DNA position 3088, C replaced by T.
Protein change: p.Arg1030Cys; replaces arginine 1030 with cysteine.
Molecular consequence: missense variant.
Genome position (GRCh38, 1-based): chr17:5,023,927, C>T. VCF-style: chr17-5023927-C-T. GRCh37 (hg19) VCF-style: chr17-4927222-C-T.
Other names: short protein forms R1030C.
Identifiers: ClinVar variation 570542 (VCV000570542.51), dbSNP rs62072492, ClinGen allele CA8319479.
Genomic context (GRCh38, chr17:5,023,927, plus strand): 5'-ACTCCCCATCCAGCCACCCCTGCCCGCCGGCCTCCGAGTCCCCGAAGGTCCCACCATCCC[C>T]GCAGGAACTCCCTGGATGGAGGGGGCCGATCCCGGGGAGCGGGTTCTGCACAGCCTGAAC-3'
Protein context (NP_006603.2, residues 1020-1040): PPSPRRSHHP[Arg1030Cys]RNSLDGGGRS

ClinVar aggregate classification (germline): Uncertain significance. Review status: criteria provided, multiple submitters, no conflicts (2 of 4 stars). 4 submissions from 4 submitters: Uncertain significance (4). Last evaluated 2026-02-02.

Conditions:
Spastic ataxia 2. Also called: Ataxia, spastic, 2, autosomal recessive. Identifiers: Orphanet 397946, MedGen C1969796, MONDO:0012651, OMIM 611302.
Inborn genetic diseases. Identifiers: MedGen C0950123, MeSH D030342.
Hereditary spastic paraplegia. Also called: Familial spastic paraparesis. Identifiers: Orphanet 685, MedGen C0037773, MONDO:0019064. Disease mechanism: loss of function.

Allele frequency attached by ClinVar (database versions not stated): gnomAD exomes 0.00012 and 0.00014; TOPMed 0.00012; ESP Exome Variant Server 0.00015; ExAC 0.00017; gnomAD 0.00017 and 0.00018.
gnomAD v4.1: 193 of 1,569,962 alleles (0.012%); highest among the groups gnomAD compares: Middle Eastern, 0.017%; 1 homozygote.

Submissions (4):

Labcorp Genetics (formerly Invitae), Labcorp
Classification: Uncertain significance for Spastic ataxia 2. Last evaluated: 2026-02-02. Review status: criteria provided, single submitter. Criteria: Invitae Variant Classification Sherloc (09022015). Collection method: clinical testing. Allele origin: germline.
Comment: This sequence change replaces arginine, which is basic and polar, with cysteine, which is neutral and slightly polar, at codon 1030 of the KIF1C protein (p.Arg1030Cys). This variant is present in population databases (rs62072492, gnomAD 0.02%). This variant has not been reported in the literature in individuals affected with KIF1C-related conditions. ClinVar contains an entry for this variant (Variation ID: 570542). An algorithm developed to predict the effect of missense changes on protein structure and function (PolyPhen-2) suggests that this variant is likely to be disruptive. In summary, the available evidence is currently insufficient to determine the role of this variant in disease. Therefore, it has been classified as a Variant of Uncertain Significance.

Ambry Genetics
Classification: Uncertain significance for Inborn genetic diseases. Last evaluated: 2021-10-12. Review status: criteria provided, single submitter. Criteria: Ambry Variant Classification Scheme 2023. Collection method: clinical testing. Allele origin: germline.

CeGaT Center for Human Genetics Tuebingen
Classification: Uncertain significance. Last evaluated: 2018-05-01. Review status: criteria provided, single submitter. Criteria: CeGaT Center For Human Genetics Tuebingen Variant Classification Criteria Version 2. Collection method: clinical testing. Allele origin: germline. Affected: yes. Observed: 1 variant allele.

Genome Diagnostics Laboratory, The Hospital for Sick Children
Classification: Uncertain significance for Hereditary spastic paraplegia. Last evaluated: 2017-03-31. Review status: criteria provided, single submitter. Criteria: ACMG Guidelines, 2015. Collection method: clinical testing. Allele origin: germline. Affected: yes.